The following is an entry in ClinVar:

NM_000719.7(CACNA1C):c.1484A>G (p.His495Arg)

Gene: CACNA1C (calcium voltage-gated channel subunit alpha1 C; plus strand). Cytogenetic location: 12p13.33.
Variant type: single nucleotide variant.
Coding change: c.1484A>G on transcript NM_000719.7 (MANE Select); coding-DNA position 1484, A replaced by G.
Protein change: p.His495Arg; replaces histidine 495 with arginine.
Molecular consequence: missense variant.
Genome position (GRCh38, 1-based): chr12:2,556,953, A>G. VCF-style: chr12-2556953-A-G. GRCh37 (hg19) VCF-style: chr12-2666119-A-G.
Other names: c.1484A>G, p.His495Arg (NM_001129831.2, NM_001129832.2, NM_001129833.2 and 18 more transcripts); c.1475A>G, p.His492Arg (NM_001129844.2); short protein forms H492R, H495R.
Identifiers: ClinVar variation 2586958 (VCV002586958.5), dbSNP rs954219850, ClinGen allele CA231607893.
Genomic context (GRCh38, chr12:2,556,953, plus strand): 5'-GTCTTTTAAATGCACGTGTGTGTCCATCCTTTGGTAACATTTCCTTTTTCTTTTTCAGCC[A>G]CCGGATCTCCAAGTCAAAGTTCAGGTGAGTGAGACTCACGCTGCTCTTCCTTCCTTCTGC-3'
Protein context (NP_000710.5, residues 485-505): EGENCGARLA[His495Arg]RISKSKFSRY

ClinVar aggregate classification (germline): Uncertain significance. Review status: criteria provided, multiple submitters, no conflicts (2 of 4 stars). 2 submissions from 2 submitters: Uncertain significance (2). Last evaluated 2024-07-29.

Conditions:
Cardiovascular phenotype. Identifiers: MedGen CN230736.
Long QT syndrome (LQTS). Identifiers: MedGen C0023976, MeSH D008133, MONDO:0002442. Disease mechanism: loss of function. Inheritance: Various modes of inheritance.

Allele frequency attached by ClinVar (database versions not stated): gnomAD exomes below 0.00001; gnomAD 0.00001; TOPMed 0.00002.
gnomAD v4.1: 5 of 1,612,198 alleles (0.00031%); highest among the groups gnomAD compares: African/African-American, 0.0067%; no homozygotes.

Submissions (2):

Labcorp Genetics (formerly Invitae), Labcorp
Classification: Uncertain significance for Long QT syndrome. Last evaluated: 2024-07-29. Review status: criteria provided, single submitter. Criteria: Invitae Variant Classification Sherloc (09022015). Collection method: clinical testing. Allele origin: germline.
Comment: This sequence change replaces histidine, which is basic and polar, with arginine, which is basic and polar, at codon 495 of the CACNA1C protein (p.His495Arg). This variant is present in population databases (no rsID available, gnomAD 0.01%). This variant has not been reported in the literature in individuals affected with CACNA1C-related conditions. ClinVar contains an entry for this variant (Variation ID: 2586958). An algorithm developed to predict the effect of missense changes on protein structure and function (PolyPhen-2) suggests that this variant is likely to be tolerated. In summary, the available evidence is currently insufficient to determine the role of this variant in disease. Therefore, it has been classified as a Variant of Uncertain Significance.

Ambry Genetics
Classification: Uncertain significance for Cardiovascular phenotype. Last evaluated: 2023-08-16. Review status: criteria provided, single submitter. Criteria: Ambry Variant Classification Scheme 2023. Collection method: clinical testing. Allele origin: germline.
Comment: The p.H495R variant (also known as c.1484A>G), located in coding exon 11 of the CACNA1C gene, results from an A to G substitution at nucleotide position 1484. The histidine at codon 495 is replaced by arginine, an amino acid with highly similar properties. This amino acid position is well conserved in available vertebrate species. In addition, the in silico prediction for this alteration is inconclusive. According to data from gnomAD, the frequency for this variant is above the maximum credible frequency for a cardiac disease-causing variant in this gene based on internally established thresholds (Karczewski et al. Nature. 2020 May;581(7809):434-443; Whiffin et al. Genet Med. 2017 10;19:1151-1158). Based on the supporting evidence, the association of this alteration with CACNA1C-related neurodevelopmental disorder is unknown; however, the association with Timothy syndrome or long QT syndrome is unlikely.